The following is an entry in ClinVar:

ClinVar aggregate classification (germline): Uncertain significance. Review status: criteria provided, multiple submitters, no conflicts (2 of 4 stars). 2 submissions from 2 submitters: Uncertain significance (2). Last evaluated 2025-01-19.

Conditions:
DICER1-related tumor predisposition. Also called: DICER1-related pleuropulmonary blastoma cancer predisposition syndrome; DICER1 syndrome. Identifiers: Orphanet 284343, MedGen C3839822, MONDO:0100216.
Hereditary cancer-predisposing syndrome. Also called: Hereditary neoplastic syndrome; Neoplastic Syndromes, Hereditary; Tumor predisposition; Hereditary Cancer Syndrome. Identifiers: Orphanet 140162, MedGen C0027672, MeSH D009386, MONDO:0015356.

Allele frequency attached by ClinVar (database versions not stated): gnomAD exomes below 0.00001 and 0.00001; TOPMed below 0.00001; gnomAD 0.00001.
gnomAD v4.1: 21 of 1,604,314 alleles (0.0013%); highest among the groups gnomAD compares: Non-Finnish European, 0.0016%; no homozygotes.

Submissions (2):

Ambry Genetics
Classification: Uncertain significance for Hereditary cancer-predisposing syndrome. Last evaluated: 2025-01-19. Review status: criteria provided, single submitter. Criteria: Ambry Variant Classification Scheme 2023. Collection method: clinical testing. Allele origin: germline.
Comment: The p.E268G variant (also known as c.803A>G), located in coding exon 6 of the DICER1 gene, results from an A to G substitution at nucleotide position 803. The glutamic acid at codon 268 is replaced by glycine, an amino acid with similar properties. This amino acid position is poorly conserved in available vertebrate species. In addition, this alteration is predicted to be tolerated by in silico analysis. Since supporting evidence is limited at this time, the clinical significance of this alteration remains unclear.

Labcorp Genetics (formerly Invitae), Labcorp
Classification: Uncertain significance for DICER1-related tumor predisposition. Last evaluated: 2023-11-13. Review status: criteria provided, single submitter. Criteria: Invitae Variant Classification Sherloc (09022015). Collection method: clinical testing. Allele origin: germline.
Comment: This sequence change replaces glutamic acid, which is acidic and polar, with glycine, which is neutral and non-polar, at codon 268 of the DICER1 protein (p.Glu268Gly). This variant is present in population databases (rs774554682, gnomAD 0.004%). This variant has not been reported in the literature in individuals affected with DICER1-related conditions. ClinVar contains an entry for this variant (Variation ID: 412106). Advanced modeling of protein sequence and biophysical properties (such as structural, functional, and spatial information, amino acid conservation, physicochemical variation, residue mobility, and thermodynamic stability) performed at Invitae indicates that this missense variant is not expected to disrupt DICER1 protein function with a negative predictive value of 80%. In summary, the available evidence is currently insufficient to determine the role of this variant in disease. Therefore, it has been classified as a Variant of Uncertain Significance.

NM_177438.3(DICER1):c.803A>G (p.Glu268Gly)

Gene: DICER1 (dicer 1, ribonuclease III; minus strand). Cytogenetic location: 14q32.13.
Variant type: single nucleotide variant.
Coding change: c.803A>G on transcript NM_177438.3 (MANE Select); coding-DNA position 803, A replaced by G.
Protein change: p.Glu268Gly; replaces glutamic acid 268 with glycine.
Molecular consequence: missense variant.
Genome position (GRCh38, 1-based): chr14:95,126,680, T>C on the plus strand (A>G on the coding strand, the complement: DICER1 is on the minus strand). VCF-style: chr14-95126680-T-C. GRCh37 (hg19) VCF-style: chr14-95593017-T-C.
Other names: c.803A>G, p.Glu268Gly (NM_001195573.1, NM_001271282.3, NM_001291628.2 and 1 more transcripts); short protein forms E268G.
Identifiers: ClinVar variation 412106 (VCV000412106.13), dbSNP rs774554682, ClinGen allele CA16614722.